The following is an entry in ClinVar:

NM_001354930.2(RIPK1):c.1039C>A (p.Gln347Lys)

Gene: RIPK1 (receptor interacting serine/threonine kinase 1; plus strand). Cytogenetic location: 6p25.2.
Variant type: single nucleotide variant.
Coding change: c.1039C>A on transcript NM_001354930.2 (MANE Select); coding-DNA position 1039, C replaced by A.
Protein change: p.Gln347Lys; replaces glutamine 347 with lysine.
Molecular consequence: missense variant.
Genome position (GRCh38, 1-based): chr6:3,105,514, C>A. VCF-style: chr6-3105514-C-A. GRCh37 (hg19) VCF-style: chr6-3105748-C-A.
Other names: c.550C>A, p.Gln184Lys (NM_001317061.3, NM_001354932.2, NM_001354933.2 and 1 more transcripts); c.901C>A, p.Gln301Lys (NM_001354931.2); c.1039C>A, p.Gln347Lys (NM_003804.6); short protein forms Q301K, Q347K, Q184K.
Identifiers: ClinVar variation 1362390 (VCV001362390.8), dbSNP rs933448243, ClinGen allele CA133455252.

ClinVar aggregate classification (germline): Uncertain significance (1 of 4 stars; one submission).

Allele frequency attached by ClinVar (database versions not stated): gnomAD exomes 0.00001; gnomAD 0.00005 and 0.00007; TOPMed 0.00005.
gnomAD v4.1: 15 of 1,579,546 alleles (0.00095%); highest among the groups gnomAD compares: African/African-American, 0.019%; no homozygotes.

Submission:

Labcorp Genetics (formerly Invitae), Labcorp
Classification: Uncertain significance. Last evaluated: 2024-09-23. Review status: criteria provided, single submitter. Criteria: Invitae Variant Classification Sherloc (09022015). Collection method: clinical testing. Allele origin: germline.
Comment: This sequence change replaces glutamine, which is neutral and polar, with lysine, which is basic and polar, at codon 347 of the RIPK1 protein (p.Gln347Lys). This variant is present in population databases (no rsID available, gnomAD 0.01%). This variant has not been reported in the literature in individuals affected with RIPK1-related conditions. ClinVar contains an entry for this variant (Variation ID: 1362390). An algorithm developed to predict the effect of missense changes on protein structure and function (PolyPhen-2) suggests that this variant is likely to be disruptive. In summary, the available evidence is currently insufficient to determine the role of this variant in disease. Therefore, it has been classified as a Variant of Uncertain Significance.